The following is an entry in ClinVar:

NM_001080467.3(MYO5B):c.*1272A>C

Genes: SNHG22 (small nucleolar RNA host gene 22; plus strand), MYO5B (myosin VB; minus strand). Cytogenetic location: 18q21.1.
Variant type: single nucleotide variant.
Coding change: c.*1272A>C on transcript NM_001080467.3 (MANE Select); 1272 bases downstream of the stop codon, A replaced by C.
Molecular consequence: 3 prime UTR variant.
Genome position (GRCh38, 1-based): chr18:49,825,199, T>G on the plus strand (A>C on the coding strand, the complement: MYO5B is on the minus strand). VCF-style: chr18-49825199-T-G. GRCh37 (hg19) VCF-style: chr18-47351569-T-G.
Identifiers: ClinVar variation 326971 (VCV000326971.5), dbSNP rs114133687, ClinGen allele CA10647707.

ClinVar aggregate classification (germline): Benign (1 of 4 stars; one submission).

Conditions:
Congenital microvillous atrophy (DIAR2). Also called: DAVIDSON DISEASE; MICROVILLUS ATROPHY, CONGENITAL; Microvillus inclusion disease; Diarrhea 2 with microvillus atrophy, with or without cholestasis; CONGENITAL FAMILIAL PROTRACTED DIARRHEA WITH ENTEROCYTE BRUSH-BORDER ABNORMALITIES. Identifiers: Orphanet 2290, MedGen C0341306, MONDO:0009635, OMIM 251850.

Allele frequency attached by ClinVar (database versions not stated): gnomAD 0.00681 and 0.00732; 1000 Genomes Project 0.00719; TOPMed 0.00751; 1000 Genomes Project 30x 0.00765.

Submission:

Illumina Laboratory Services, Illumina
Classification: Benign for Congenital microvillous atrophy. Last evaluated: 2018-01-13. Review status: criteria provided, single submitter. Criteria: ICSL Variant Classification Criteria 13 December 2019. Collection method: clinical testing. Allele origin: germline.
Comment: This variant was observed in the ICSL laboratory as part of a predisposition screen in an ostensibly healthy population. It had not been previously curated by ICSL or reported in the Human Gene Mutation Database (HGMD: prior to June 1st, 2018), and was therefore a candidate for classification through an automated scoring system. Utilizing variant allele frequency, disease prevalence and penetrance estimates, and inheritance mode, an automated score was calculated to assess if this variant is too frequent to cause the disease. Based on the score and internal cut-off values, a variant classified as benign is not then subjected to further curation. The score for this variant resulted in a classification of benign for this disease.